The following is an entry in ClinVar:

ClinVar aggregate classification (germline): Pathogenic/Likely pathogenic. Review status: criteria provided, multiple submitters, no conflicts (2 of 4 stars). 5 submissions from 5 submitters: Pathogenic (3); Likely pathogenic (2). Last evaluated 2026-02-09.

Conditions:
TTN-related disorder. Also called: TTN-related disorders; TTN-related condition; TTN-related disease.
Cardiovascular phenotype. Identifiers: MedGen CN230736.
Dilated cardiomyopathy 1G (CMD1G). Identifiers: Orphanet 154, MedGen C1858763, MONDO:0011400, OMIM 604145.
Autosomal recessive limb-girdle muscular dystrophy type 2J (LGMDR10). Also called: MUSCULAR DYSTROPHY, LIMB-GIRDLE, AUTOSOMAL RECESSIVE 10; Limb-girdle muscular dystrophy, type 2J. Identifiers: Orphanet 140922, MedGen C1837342, MONDO:0012127, OMIM 608807.

Submissions (5):

Ambry Genetics
Classification: Likely pathogenic for Cardiovascular phenotype. Last evaluated: 2026-02-09. Review status: criteria provided, single submitter. Criteria: Ambry Variant Classification Scheme 2023. Collection method: clinical testing. Allele origin: germline.
Comment: The c.42227_42231delGCCCTins10 variant, located in coding exon 152 of the TTN gene, results from the deletion of 5 nucleotides and insertion of 10 nucleotides (AAAAGGACCC) causing a translational frameshift with a predicted alternate stop codon (p.G14076Efs*38). This exon is located in the A-band region of the N2-B isoform of the titin protein and is constitutively expressed in TTN transcripts (percent spliced in or PSI 100%). This variant was reported in individual(s) with features consistent with dilated cardiomyopathy (Ramchand J et al. J Am Heart Assoc. 2020 01;9(2):e013346; Ambry internal data). Note, this variant is also referred to as NM_001267550:c.69422_69426delinsAAAAGGACCC, p.Gly23141Glufs*38 in the literature. This variant is expected to result in loss of function by premature protein truncation or nonsense-mediated mRNA decay. While truncating variants in TTN are present in 1-3% of the general population, truncating variants in the A-band are the most common cause of dilated cardiomyopathy (Herman DS et al. N. Engl. J. Med., 2012 Feb;366:619-28; Roberts AM et al. Sci Transl Med, 2015 Jan;7:270ra6). TTN truncating variants encoded in constitutive exons (PSI >90%) have been found to be significantly associated with DCM regardless of their position in titin (Schafer S et al. Nat. Genet., 2017 01;49:46-53; Akhtar MM et al. Circ Heart Fail, 2020 Oct;13:e006832; Massier M et al. Clin Genet, 2025 Jan). Based on the majority of available evidence to date, this variant is likely to be pathogenic.

GeneDx
Classification: Likely pathogenic. Last evaluated: 2026-01-20. Review status: criteria provided, single submitter. Criteria: GeneDx Variant Classification Process June 2021. Collection method: clinical testing. Allele origin: germline.
Comment: Frameshift variant predicted to result in protein truncation or nonsense mediated decay in a gene for which loss of function is a known mechanism of disease; Located in the A-band, a region of TTN for which truncating variants are significantly associated with autosomal dominant cardiomyopathy and also with autosomal recessive skeletal myopathies (PMID: 22335739, 32778822); Identified in a patient with dilated cardiomyopathy (DCM) in published literature (PMID: 31931689); Not observed at significant frequency in large population cohorts (gnomAD); This variant is associated with the following publications: (PMID: 22335739, 32778822, 31931689)

Labcorp Genetics (formerly Invitae), Labcorp
Classification: Pathogenic for Dilated cardiomyopathy 1G; Autosomal recessive limb-girdle muscular dystrophy type 2J. Last evaluated: 2025-12-23. Review status: criteria provided, single submitter. Criteria: Invitae Variant Classification Sherloc (09022015). Collection method: clinical testing. Allele origin: germline.
Comment: This sequence change creates a premature translational stop signal (p.Gly23141Glufs*38) in the TTN gene. While this is not anticipated to result in nonsense mediated decay, it is expected to create a truncated TTN protein. Information on the frequency of this variant in the gnomAD database is not available, as this variant may be reported differently in the database. This premature translational stop signal has been observed in individuals with dilated cardiomyopathy (PMID: 30535219, 31931689, 34495297; internal data). ClinVar contains an entry for this variant (Variation ID: 1067013). This variant is located in the A band of TTN (PMID: 25589632). Truncating variants in this region are significantly overrepresented in patients affected with dilated cardiomyopathy (PMID: 25589632). Truncating variants in this region have also been reported in individuals affected with autosomal recessive centronuclear myopathy (PMID: 23975875). For these reasons, this variant has been classified as Pathogenic.

Molecular Diagnostic Laboratory for Inherited Cardiovascular Disease, Montreal Heart Institute
Classification: Pathogenic for Cardiovascular phenotype. Last evaluated: 2024-05-08. Review status: criteria provided, single submitter. Criteria: ACMG Guidelines, 2015. Collection method: clinical testing. Allele origin: germline. Affected: yes.
Comment: PVS1, PM2, PS4_supp, PP5

Blueprint Genetics
Classification: Pathogenic for TTN-related disorders. Last evaluated: 2021-11-04. Review status: criteria provided, single submitter. Criteria: ACMG Guidelines, 2015. Collection method: clinical testing. Allele origin: germline. Affected: yes. Observed: 1 variant allele.

Literature cited by the submitters: PubMed 31931689 (cited by Ambry Genetics and Labcorp Genetics (formerly Invitae), Labcorp); PubMed 30535219 (cited by Labcorp Genetics (formerly Invitae), Labcorp); PubMed 34495297 (cited by Labcorp Genetics (formerly Invitae), Labcorp); PubMed 25589632 (cited by Labcorp Genetics (formerly Invitae), Labcorp); PubMed 23975875 (cited by Labcorp Genetics (formerly Invitae), Labcorp).

NM_001267550.2(TTN):c.69422_69426delinsAAAAGGACCC (p.Gly23141fs)

Genes: TTN (titin; minus strand), TTN-AS1 (TTN antisense RNA 1; plus strand). Cytogenetic location: 2q31.2.
Variant type: Indel.
Coding change: c.69422_69426delinsAAAAGGACCC on transcript NM_001267550.2 (MANE Select); coding-DNA positions 69422 to 69426, GCCCT replaced by AAAAGGACCC.
Protein change: p.Gly23141fs; shifts the reading frame from glycine 23141.
Molecular consequence: frameshift variant.
Genome position (GRCh38, 1-based): chr2:178,576,818-178,576,822, AGGGC replaced by GGGTCCTTTT on the plus strand (GCCCT replaced by AAAAGGACCC on the coding strand, the reverse complement: TTN is on the minus strand). VCF-style: chr2-178576818-AGGGC-GGGTCCTTTT. GRCh37 (hg19) VCF-style: chr2-179441545-AGGGC-GGGTCCTTTT.
Other names: c.64499_64503delinsAAAAGGACCC, p.Gly21500fs (NM_001256850.1); c.42227_42231delinsAAAAGGACCC, p.Gly14076fs (NM_003319.4); c.61718_61722delinsAAAAGGACCC, p.Gly20573fs (NM_133378.4); c.42602_42606delinsAAAAGGACCC, p.Gly14201fs (NM_133432.3); c.42803_42807delinsAAAAGGACCC, p.Gly14268fs (NM_133437.4); c.42227_42231delGCCCTinsAAAAGGACCC (NM_003319.4); c.69422_69426delinsAAAAGGACCC (NM_001267550.1); short protein forms G14268fs, G21500fs, G23141fs, G14076fs, G14201fs, G20573fs.
Identifiers: ClinVar variation 857438 (VCV000857438.14), dbSNP rs2046539116, ClinGen allele CA916081354.